The following is an entry in ClinVar:

ClinVar aggregate classification (germline): Uncertain significance (1 of 4 stars; one submission).

Allele frequency attached by ClinVar (database versions not stated): gnomAD 0.00001; TOPMed 0.00001; ExAC 0.00003; gnomAD exomes 0.00003 and 0.00004.
gnomAD v4.1: 50 of 1,611,604 alleles (0.0031%); highest among the groups gnomAD compares: South Asian, 0.036%; no homozygotes.

Submission:

Labcorp Genetics (formerly Invitae), Labcorp
Classification: Uncertain significance. Last evaluated: 2024-06-12. Review status: criteria provided, single submitter. Criteria: Invitae Variant Classification Sherloc (09022015). Collection method: clinical testing. Allele origin: germline.
Comment: This sequence change replaces proline, which is neutral and non-polar, with leucine, which is neutral and non-polar, at codon 307 of the TUBA8 protein (p.Pro307Leu). This variant is present in population databases (rs763179989, gnomAD 0.03%). This variant has not been reported in the literature in individuals affected with TUBA8-related conditions. ClinVar contains an entry for this variant (Variation ID: 1433718). Advanced modeling of protein sequence and biophysical properties (such as structural, functional, and spatial information, amino acid conservation, physicochemical variation, residue mobility, and thermodynamic stability) performed at Invitae indicates that this missense variant is not expected to disrupt TUBA8 protein function with a negative predictive value of 80%. In summary, the available evidence is currently insufficient to determine the role of this variant in disease. Therefore, it has been classified as a Variant of Uncertain Significance.

NM_018943.3(TUBA8):c.920C>T (p.Pro307Leu)

Gene: TUBA8 (tubulin alpha 8; plus strand). Cytogenetic location: 22q11.21.
Variant type: single nucleotide variant.
Coding change: c.920C>T on transcript NM_018943.3 (MANE Select); coding-DNA position 920, C replaced by T.
Protein change: p.Pro307Leu; replaces proline 307 with leucine.
Molecular consequence: missense variant.
Genome position (GRCh38, 1-based): chr22:18,126,898, C>T. VCF-style: chr22-18126898-C-T. GRCh37 (hg19) VCF-style: chr22-18609665-C-T.
Other names: c.722C>T, p.Pro241Leu (NM_001193414.2); short protein forms P307L, P241L.
Identifiers: ClinVar variation 1433718 (VCV001433718.8), dbSNP rs763179989, ClinGen allele CA10093786.
Genomic context (GRCh38, chr22:18,126,898, plus strand): 5'-CTGTGGCCGAGATAACCAGCTCCTGCTTTGAGCCCAACAGCCAGATGGTGAAGTGCGACC[C>T]GAGACATGGCAAGTACATGGCCTGCTGCATGCTCTACCGGGGCGACGTGGTGCCCAAGGA-3'
Protein context (NP_061816.1, residues 297-317): EPNSQMVKCD[Pro307Leu]RHGKYMACCM